The following is an entry in ClinVar:

NM_001127453.2(GSDME):c.1197C>T (p.Ser399=)

Gene: GSDME (gasdermin E; minus strand). Cytogenetic location: 7p15.3.
Variant type: single nucleotide variant.
Coding change: c.1197C>T on transcript NM_001127453.2 (MANE Select); coding-DNA position 1197, C replaced by T.
Protein change: p.Ser399=; no amino-acid change (serine 399 retained).
Molecular consequence: synonymous variant.
Genome position (GRCh38, 1-based): chr7:24,702,820, G>A on the plus strand (C>T on the coding strand, the complement: GSDME is on the minus strand). VCF-style: chr7-24702820-G-A. GRCh37 (hg19) VCF-style: chr7-24742439-G-A.
Other names: c.705C>T, p.Ser235= (NM_001127454.2); c.1197C>T, p.Ser399= (NM_004403.3).
Identifiers: ClinVar variation 517306 (VCV000517306.10), dbSNP rs778523430, ClinGen allele CA4191360.

ClinVar aggregate classification (germline): Likely benign. Review status: criteria provided, multiple submitters, no conflicts (2 of 4 stars). 3 submissions from 3 submitters: Likely benign (3). Last evaluated 2024-08-05.

Allele frequency attached by ClinVar (database versions not stated): gnomAD 0.00002; gnomAD exomes 0.00002 and 0.00004; TOPMed 0.00003; ExAC 0.00005.

Submissions (3):

Labcorp Genetics (formerly Invitae), Labcorp
Classification: Likely benign. Last evaluated: 2024-08-05. Review status: criteria provided, single submitter. Criteria: Invitae Variant Classification Sherloc (09022015). Collection method: clinical testing. Allele origin: germline.

Blueprint Genetics
Classification: Likely benign. Last evaluated: 2023-05-04. Review status: criteria provided, single submitter. Criteria: ACMG Guidelines, 2015. Collection method: clinical testing. Allele origin: germline.

Laboratory for Molecular Medicine, Mass General Brigham Personalized Medicine
Classification: Likely benign. Last evaluated: 2017-04-20. Review status: criteria provided, single submitter. Criteria: LMM Criteria. Collection method: clinical testing. Allele origin: germline. Observed: 1 variant allele.
Comment: p.Ser399Ser in exon 9 of DFNA5: This variant is not expected to have clinical si gnificance because it does not alter an amino acid residue and is not located wi thin the splice consensus sequence. It has been identified in 7/33580 Latino chr omosomes by the Genome Aggregation Database (gnomAD; dbSNP rs778523430).